The following is an entry in ClinVar:

ClinVar aggregate classification (germline): Likely pathogenic (1 of 4 stars; one submission).

Conditions:
Chronic infantile neurological, cutaneous and articular syndrome (CINCA). Also called: CHRONIC NEUROLOGIC CUTANEOUS AND ARTICULAR SYNDROME; CINCA syndrome; Prieur Griscelli syndrome; CRYOPYRIN-ASSOCIATED PERIODIC SYNDROME 3. Identifiers: Orphanet 1451, MedGen C0409818, MONDO:0011776, OMIM 607115.

Submission:

Department of Human Genetics, Hannover Medical School
Classification: Likely pathogenic for Chronic infantile neurological, cutaneous and articular syndrome. Last evaluated: 2026-07-16. Review status: criteria provided, single submitter. Criteria: ACMG Guidelines, 2015. Collection method: clinical testing. Allele origin: germline. Affected: yes.
Comment: ACMG/ClinGen SVC: PS1, PM1_Supporting, PM2_Supporting, PP2, PP3

NM_001243133.2(NLRP3):c.1696T>C (p.Phe566Leu)

Gene: NLRP3 (NLR family pyrin domain containing 3; plus strand). Cytogenetic location: 1q44.
Variant type: single nucleotide variant.
Coding change: c.1696T>C on transcript NM_001243133.2 (MANE Select); coding-DNA position 1696, T replaced by C.
Protein change: p.Phe566Leu; replaces phenylalanine 566 with leucine.
Molecular consequence: missense variant.
Genome position (GRCh38, 1-based): chr1:247,425,145, T>C. VCF-style: chr1-247425145-T-C. GRCh37 (hg19) VCF-style: chr1-247588447-T-C.
Other names: c.1696T>C, p.Phe566Leu (NM_001079821.3, NM_001127461.3, NM_001127462.3 and 1 more transcripts); c.1702T>C, p.Phe568Leu (NM_004895.5); short protein forms F566L, F568L.
Identifiers: ClinVar variation 4857755 (VCV004857755.1).
Genomic context (GRCh38, chr1:247,425,145, plus strand): 5'-GGGAGTCGTTTGAAGCTTCCCAGCCGAGACGTGACAGTCCTTCTGGAAAACTATGGCAAA[T>C]TCGAAAAGGGGTATTTGATTTTTGTTGTACGTTTCCTCTTTGGCCTGGTAAACCAGGAGA-3'
Protein context (NP_001230062.1, residues 556-576): VTVLLENYGK[Phe566Leu]EKGYLIFVVR